The following is an entry in ClinVar:

NM_001365276.2(TNXB):c.4769del (p.Pro1590fs)

Gene: TNXB (tenascin XB; minus strand). Cytogenetic location: 6p21.33.
Variant type: Deletion.
Coding change: c.4769del on transcript NM_001365276.2 (MANE Select); coding-DNA position 4769, one base deleted (C; older notation c.4769delC).
Protein change: p.Pro1590fs; shifts the reading frame from proline 1590.
Molecular consequence: frameshift variant.
Genome position (GRCh38, 1-based): chr6:32,072,211, G deleted on the plus strand (C on the coding strand, the reverse complement: TNXB is on the minus strand); the first of 4 consecutive G bases (chr6:32,072,211-32,072,214); deleting any one gives the same sequence. VCF-style (leftmost placement, unchanged base first): chr6-32072210-AG-A. GRCh37 (hg19) VCF-style: chr6-32039987-AG-A.
Other names: c.5510del, p.Pro1837fs (NM_001428335.1); c.4769del, p.Pro1590fs (NM_019105.8); short protein forms P1590fs, P1837fs.
Identifiers: ClinVar variation 5015638 (VCV005015638.1).

ClinVar aggregate classification (germline): Pathogenic (1 of 4 stars; one submission).

Conditions:
Ehlers-Danlos syndrome due to tenascin-X deficiency (EDSCLL1). Also called: EDS DUE TO TNX DEFICIENCY; TNX DEFICIENCY; Ehlers-Danlos syndrome, classic-like, 1; EHLERS-DANLOS SYNDROME, CLASSIC-LIKE; TNXB-Related Classical-Like Ehlers-Danlos Syndrome. Identifiers: Orphanet 230839, MedGen C1848029, MONDO:0011670, OMIM 606408.

Submission:

Myriad Genetics, Inc.
Classification: Pathogenic for Ehlers-Danlos syndrome due to tenascin-X deficiency. Last evaluated: 2026-03-04. Review status: criteria provided, single submitter. Criteria: Myriad Autosomal Dominant, Autosomal Recessive and X-Linked Classification Criteria (2023). Collection method: clinical testing. Allele origin: unknown.
Comment: NM_019105.6(TNXB):c.4769delC(P1590Lfs*93) is expected to be pathogenic in the context of classical-like Ehlers-Danlos syndrome, TNXB-related. This variant is predicted to lead to an abnormal or absent protein product due to the creation of a premature termination codon in TNXB, a gene where loss-of-function variants are known to be pathogenic. Please note: this variant was assessed in the context of healthy population screening.